The following is an entry in ClinVar:

NM_203447.4(DOCK8):c.5058C>T (p.Pro1686=)

Gene: DOCK8 (dedicator of cytokinesis 8; plus strand). Cytogenetic location: 9p24.3.
Variant type: single nucleotide variant.
Coding change: c.5058C>T on transcript NM_203447.4 (MANE Select); coding-DNA position 5058, C replaced by T.
Protein change: p.Pro1686=; no amino-acid change (proline 1686 retained).
Molecular consequence: synonymous variant.
Genome position (GRCh38, 1-based): chr9:434,954, C>T. VCF-style: chr9-434954-C-T. GRCh37 (hg19) VCF-style: chr9-434954-C-T.
Other names: p.Pro1686=; c.4758C>T, p.Pro1586= (NM_001190458.2); c.4854C>T, p.Pro1618= (NM_001193536.2).
Identifiers: ClinVar variation 536609 (VCV000536609.14), dbSNP rs190854825, ClinGen allele CA4959275.

ClinVar aggregate classification (germline): Likely benign. Review status: criteria provided, multiple submitters, no conflicts (2 of 4 stars). 3 submissions from 3 submitters: Likely benign (2). 1 of the submissions does not count toward it. Last evaluated 2026-01-27.

Conditions:
DOCK8-related disorder. Also called: DOCK8-related condition.
Combined immunodeficiency due to DOCK8 deficiency (HIES2). Also called: HIES autosomal recessive; HYPER-IgE RECURRENT INFECTION SYNDROME 2, AUTOSOMAL RECESSIVE; Hyper-IgE recurrent infection syndrome, autosomal recessive; HYPER-IgE SYNDROME 2, AUTOSOMAL RECESSIVE, WITH RECURRENT INFECTIONS; DOCK8 Deficiency. Identifiers: Orphanet 217390, MedGen C4722305, MONDO:0009478, OMIM 243700.

Allele frequency attached by ClinVar (database versions not stated): ExAC 0.00007; ESP Exome Variant Server 0.00008; gnomAD 0.00013 and 0.00014; 1000 Genomes Project 0.00020; TOPMed 0.00029; 1000 Genomes Project 30x 0.00031.
gnomAD v4.1: 195 of 1,613,016 alleles (0.012%); highest among the groups gnomAD compares: Admixed American, 0.04%; no homozygotes.

Submissions (3):

Labcorp Genetics (formerly Invitae), Labcorp
Classification: Likely benign for Combined immunodeficiency due to DOCK8 deficiency. Last evaluated: 2026-01-27. Review status: criteria provided, single submitter. Criteria: Invitae Variant Classification Sherloc (09022015). Collection method: clinical testing. Allele origin: germline.

Mayo Clinic Laboratories, Mayo Clinic
Classification: Likely benign. Last evaluated: 2025-09-10. Review status: criteria provided, single submitter. Criteria: ACMG Guidelines, 2015. Collection method: clinical testing. Allele origin: germline. Observed: 1 variant allele.
Comment: BP4, BP7

PreventionGenetics, part of Exact Sciences
Classification: Likely benign for DOCK8-related condition. Last evaluated: 2019-08-14. Review status: no assertion criteria provided. Collection method: clinical testing. Allele origin: germline. Not counted in ClinVar's aggregate classification.
Comment: This variant is classified as likely benign based on ACMG/AMP sequence variant interpretation guidelines (Richards et al. 2015 PMID: 25741868, with internal and published modifications).